The following is an entry in ClinVar:

NM_000027.4(AGA):c.346C>T (p.Arg116Trp)

Gene: AGA (aspartylglucosaminidase; minus strand). Cytogenetic location: 4q34.3.
Variant type: single nucleotide variant.
Coding change: c.346C>T on transcript NM_000027.4 (MANE Select); coding-DNA position 346, C replaced by T.
Protein change: p.Arg116Trp; replaces arginine 116 with tryptophan.
Molecular consequence: missense variant. On other transcripts: non-coding transcript variant (1).
Genome position (GRCh38, 1-based): chr4:177,439,624, G>A on the plus strand (C>T on the coding strand, the complement: AGA is on the minus strand). VCF-style: chr4-177439624-G-A. GRCh37 (hg19) VCF-style: chr4-178360778-G-A.
Other names: c.346C>T, p.Arg116Trp (NM_001171988.2); short protein forms R116W.
Identifiers: ClinVar variation 55942 (VCV000055942.33), dbSNP rs386833423, ClinGen allele CA144017.
Genomic context (GRCh38, chr4:177,439,624, plus strand): 5'-TTAAAAAAATACCTGACTCTCCTACTAAAAGTGTGTGTGTTGTATGTTCCAGTACTTTCC[G>A]TGCCACACCAATAGCATTTTTAATTCGTCTGAGATCTCCTACTGCTCCTACATCCATAGT-3'
Protein context (NP_000018.2, residues 106-126): RRIKNAIGVA[Arg116Trp]KVLEHTTHTL

ClinVar aggregate classification (germline): Pathogenic/Likely pathogenic. Review status: criteria provided, multiple submitters, no conflicts (2 of 4 stars). 8 submissions from 8 submitters: Pathogenic (1); Likely pathogenic (6). 1 of the submissions does not count toward it. Last evaluated 2025-05-19.

Conditions:
AGA-related disorder. Also called: AGA-related condition.
Aspartylglucosaminuria (AGU). Also called: AGA DEFICIENCY; GLYCOASPARAGINASE; GLYCOSYLASPARAGINASE DEFICIENCY; Aspartylglucos-aminuria; Aspartylglucos-amidase (AGA) deficiency. Identifiers: Orphanet 93, MedGen C0268225, MONDO:0008830, OMIM 208400, HP:0012068.

Allele frequency attached by ClinVar (database versions not stated): gnomAD exomes below 0.00001; TOPMed below 0.00001.
gnomAD v4.1: 6 of 1,613,172 alleles (0.00037%); highest among the groups gnomAD compares: Non-Finnish European, 0.00051%; no homozygotes.

Submissions (8):

Labcorp Genetics (formerly Invitae), Labcorp
Classification: Likely pathogenic for Aspartylglucosaminuria. Last evaluated: 2025-05-19. Review status: criteria provided, single submitter. Criteria: Invitae Variant Classification Sherloc (09022015). Collection method: clinical testing. Allele origin: germline.
Comment: This sequence change replaces arginine, which is basic and polar, with tryptophan, which is neutral and slightly polar, at codon 116 of the AGA protein (p.Arg116Trp). This variant is present in population databases (rs386833423, gnomAD 0.0009%). This missense change has been observed in individual(s) with aspartylglucosaminuria (PMID: 23271757). ClinVar contains an entry for this variant (Variation ID: 55942). Invitae Evidence Modeling of protein sequence and biophysical properties (such as structural, functional, and spatial information, amino acid conservation, physicochemical variation, residue mobility, and thermodynamic stability) has been performed for this missense variant. However, the output from this modeling did not meet the statistical confidence thresholds required to predict the impact of this variant on AGA protein function. Experimental studies have shown that this missense change affects AGA function (PMID: 27876883). In summary, the currently available evidence indicates that the variant is pathogenic, but additional data are needed to prove that conclusively. Therefore, this variant has been classified as Likely Pathogenic.

Myriad Genetics, Inc.
Classification: Likely pathogenic for Aspartylglucosaminuria. Last evaluated: 2025-03-19. Review status: criteria provided, single submitter. Criteria: Myriad Autosomal Dominant, Autosomal Recessive and X-Linked Classification Criteria (2023). Collection method: clinical testing. Allele origin: unknown.
Comment: NM_000027.3(AGA):c.346C>T(R116W) is a missense variant classified as likely pathogenic in the context of aspartylglucosaminuria. R116W has been observed in a case with relevant disease (PMID: 23271757). Relevant functional assessments of this variant are available in the literature (PMID: 27876883, Rommel_2022_(Dissertation)). Internal structural analysis of the variant is supportive of pathogenicity. R116W has been observed in referenced population frequency databases. In summary, NM_000027.3(AGA):c.346C>T(R116W) is a missense variant that has both functional and internal structural support for pathogenicity and has been observed more frequently in cases with the relevant disease than in healthy populations. Please note: this variant was assessed in the context of healthy population screening.

Natera, Inc.
Classification: Likely pathogenic for Aspartylglucosaminuria. Last evaluated: 2025-02-17. Review status: criteria provided, single submitter. Criteria: Natera Variant Classification Schema (03/2026). Collection method: clinical testing. Allele origin: germline.
Comment: The c.346C>T variant in AGA is a missense variant predicted to cause substitution of arginine to tryptophan at amino acid 116. This variant is rare in the general population with a frequency below the threshold expected for the associated phenotype(s). This variant has been observed in one or more individuals affected with the associated recessive disease, as either homozygous or compound heterozygous with a second variant (PMID: 23271757). Additionally, this variant has been observed to segregate in affected family members (PMID: 23271757). Functional studies show that this variant may disrupt protein function (PMID: 27876883). Computational prediction algorithms indicate this variant is likely to affect gene or protein function. Given the available evidence, this variant is classified as Likely Pathogenic.

Blueprint Genetics
Classification: Likely pathogenic for AGA-related disorders. Last evaluated: 2024-09-23. Review status: criteria provided, single submitter. Criteria: ACMG Guidelines, 2015. Collection method: clinical testing. Allele origin: germline. Affected: yes. Observed: 3 variant alleles.

CeGaT Center for Human Genetics Tuebingen
Classification: Likely pathogenic. Last evaluated: 2024-03-01. Review status: criteria provided, single submitter. Criteria: CeGaT Center For Human Genetics Tuebingen Variant Classification Criteria Version 2. Collection method: clinical testing. Allele origin: germline. Affected: yes. Observed: 3 variant alleles.
Comment: AGA: PM2, PM3, PP4, PS3:Supporting

Baylor Genetics
Classification: Likely pathogenic for Aspartylglucosaminuria. Last evaluated: 2024-02-18. Review status: criteria provided, single submitter. Criteria: ACMG Guidelines, 2015. Collection method: clinical testing. Allele origin: unknown.

Women's Health and Genetics/Laboratory Corporation of America, LabCorp
Classification: Pathogenic for Aspartylglucosaminuria. Last evaluated: 2022-02-02. Review status: criteria provided, single submitter. Criteria: LabCorp Variant Classification Summary - May 2015. Collection method: clinical testing. Allele origin: germline.
Comment: Variant summary: AGA c.346C>T (p.Arg116Trp) results in a non-conservative amino acid change in the encoded protein sequence. Five of five in-silico tools predict a damaging effect of the variant on protein function. The variant allele was found at a frequency of 4e-06 in 251442 control chromosomes. c.346C>T has been reported in the literature as a homozygous genotype in three siblings from at-least one consanguineous Turkish family affected with Aspartylglucosaminuria and has been cited by others (example, Opaladen_2014 and Goodspeed_2021). These data indicate that the variant is very likely to be associated with disease. At least two publications report experimental evidence evaluating an impact on protein function. The most pronounced variant effect results in <5% of normal activity in leukocytes, fibroblasts and in-vitro (example, Opaladen_2014, Banning_2016). One clinical diagnostic laboratory has submitted clinical-significance assessments for this variant to ClinVar after 2014 and classified the variant as likely pathogenic. Based on the evidence outlined above, the variant was classified as pathogenic.

Juha Muilu Group; Institute for Molecular Medicine Finland (FIMM)
Classification: Likely pathogenic for Aspartylglycosaminuria. Review status: no assertion criteria provided. Collection method: not provided. Allele origin: unknown. Not counted in ClinVar's aggregate classification.
Comment: FinDis database variant: This variant was not found or characterized by our laboratory, data were collected from public sources: see reference
ClinVar note: Converted during submission from probable-pathogenic to Likely pathogenic.

Literature cited by the submitters: PubMed 23271757 (cited by 4 submitters); PubMed 27876883 (cited by 3 submitters); PubMed 33439067 (cited by Women's Health and Genetics/Laboratory Corporation of America, LabCorp).